The following is an entry in ClinVar:

NM_002485.5(NBN):c.88A>T (p.Asn30Tyr)

Gene: NBN (nibrin; minus strand). Cytogenetic location: 8q21.3.
Variant type: single nucleotide variant.
Coding change: c.88A>T on transcript NM_002485.5 (MANE Select); coding-DNA position 88, A replaced by T.
Protein change: p.Asn30Tyr; replaces asparagine 30 with tyrosine.
Molecular consequence: missense variant. On other transcripts: 5 prime UTR variant (1).
Genome position (GRCh38, 1-based): chr8:89,982,805, T>A on the plus strand (A>T on the coding strand, the complement: NBN is on the minus strand). VCF-style: chr8-89982805-T-A. GRCh37 (hg19) VCF-style: chr8-90995033-T-A.
Other names: c.-209A>T (NM_001024688.3); short protein forms N30Y.
Identifiers: ClinVar variation 3917597 (VCV003917597.1).

ClinVar aggregate classification (germline): Uncertain significance (1 of 4 stars; one submission).

Conditions:
Hereditary cancer-predisposing syndrome. Also called: Hereditary Cancer Syndrome; Hereditary neoplastic syndrome; Neoplastic Syndromes, Hereditary; Tumor predisposition. Identifiers: Orphanet 140162, MedGen C0027672, MeSH D009386, MONDO:0015356.

Submission:

Ambry Genetics
Classification: Uncertain significance for Hereditary cancer-predisposing syndrome. Last evaluated: 2025-05-23. Review status: criteria provided, single submitter. Criteria: Ambry Variant Classification Scheme 2023. Collection method: clinical testing. Allele origin: germline.
Comment: The p.N30Y variant (also known as c.88A>T), located in coding exon 2 of the NBN gene, results from an A to T substitution at nucleotide position 88. The asparagine at codon 30 is replaced by tyrosine, an amino acid with dissimilar properties. This amino acid position is conserved. In addition, the in silico prediction for this alteration is inconclusive. Based on the available evidence, the clinical significance of this variant remains unclear.